The following is an entry in ClinVar:

NM_001244926.2(PRPF4):c.1238A>G (p.Asn413Ser)

Gene: PRPF4 (pre-mRNA splicing tri-snRNP complex factor PRPF4; plus strand). Cytogenetic location: 9q32.
Variant type: single nucleotide variant.
Coding change: c.1238A>G on transcript NM_001244926.2 (MANE Select); coding-DNA position 1238, A replaced by G.
Protein change: p.Asn413Ser; replaces asparagine 413 with serine.
Molecular consequence: missense variant. On other transcripts: non-coding transcript variant (2).
Genome position (GRCh38, 1-based): chr9:113,290,792, A>G. VCF-style: chr9-113290792-A-G. GRCh37 (hg19) VCF-style: chr9-116053072-A-G.
Other names: c.512A>G, p.Asn171Ser (NM_001322266.2, NM_001322267.2); c.1241A>G, p.Asn414Ser (NM_004697.5); short protein forms N171S, N413S, N414S.
Identifiers: ClinVar variation 970809 (VCV000970809.10), dbSNP rs775720412, ClinGen allele CA5195121.

ClinVar aggregate classification (germline): Uncertain significance (1 of 4 stars; one submission).

Allele frequency attached by ClinVar (database versions not stated): gnomAD exomes below 0.00001 and 0.00001; gnomAD 0.00001; ExAC 0.00002; TOPMed 0.00002.
gnomAD v4.1: 7 of 1,614,036 alleles (0.00043%); highest among the groups gnomAD compares: Admixed American, 0.0017%; no homozygotes.

Submission:

Labcorp Genetics (formerly Invitae), Labcorp
Classification: Uncertain significance. Last evaluated: 2025-11-28. Review status: criteria provided, single submitter. Criteria: Invitae Variant Classification Sherloc (09022015). Collection method: clinical testing. Allele origin: germline.
Comment: This sequence change replaces asparagine, which is neutral and polar, with serine, which is neutral and polar, at codon 414 of the PRPF4 protein (p.Asn414Ser). This variant is present in population databases (rs775720412, gnomAD 0.003%). This missense change has been observed in individual(s) with autosomal dominant retinitis pigmentosa (PMID: 33576794). ClinVar contains an entry for this variant (Variation ID: 970809). An algorithm developed to predict the effect of missense changes on protein structure and function outputs the following: PolyPhen-2: "Benign". The serine amino acid residue is found in multiple mammalian species, which suggests that this missense change does not adversely affect protein function. In summary, the available evidence is currently insufficient to determine the role of this variant in disease. Therefore, it has been classified as a Variant of Uncertain Significance.

Literature cited by the submitters: PubMed 33576794.